The following is an entry in ClinVar:

ClinVar aggregate classification (germline): Conflicting classifications of pathogenicity. Review status: criteria provided, conflicting classifications (1 of 4 stars). 6 submissions from 6 submitters: Uncertain significance (4); Likely benign (1). 1 of the submissions does not count toward it. Last evaluated 2025-11-21.

Conditions:
Cardiovascular phenotype. Identifiers: MedGen CN230736.
Alstrom syndrome (ALMS). Identifiers: Orphanet 64, MedGen C0268425, MONDO:0008763, OMIM 203800.

gnomAD v4.1: 3 of 1,614,004 alleles (0.00019%); highest among the groups gnomAD compares: East Asian, 0.0022%; no homozygotes.

Submissions (6):

Labcorp Genetics (formerly Invitae), Labcorp
Classification: Uncertain significance for Alstrom syndrome. Last evaluated: 2025-11-21. Review status: criteria provided, single submitter. Criteria: Invitae Variant Classification Sherloc (09022015). Collection method: clinical testing. Allele origin: germline.
Comment: This sequence change replaces arginine, which is basic and polar, with serine, which is neutral and polar, at codon 1944 of the ALMS1 protein (p.Arg1944Ser). This variant is not present in population databases (gnomAD no frequency). This variant has not been reported in the literature in individuals affected with ALMS1-related conditions. ClinVar contains an entry for this variant (Variation ID: 432728). Experimental studies and prediction algorithms are not available or were not evaluated, and the functional significance of this variant is currently unknown. In summary, the available evidence is currently insufficient to determine the role of this variant in disease. Therefore, it has been classified as a Variant of Uncertain Significance.

Ambry Genetics
Classification: Likely benign for Cardiovascular phenotype. Last evaluated: 2024-07-03. Review status: criteria provided, single submitter. Criteria: Ambry Variant Classification Scheme 2023. Collection method: clinical testing. Allele origin: germline.

GeneDx
Classification: Uncertain significance. Last evaluated: 2023-09-15. Review status: criteria provided, single submitter. Criteria: GeneDx Variant Classification Process June 2021. Collection method: clinical testing. Allele origin: germline. Affected: yes.
Comment: Not observed at significant frequency in large population cohorts (gnomAD); In silico analysis supports that this missense variant does not alter protein structure/function; Has not been previously published as pathogenic or benign to our knowledge

Blueprint Genetics
Classification: Uncertain significance. Last evaluated: 2023-02-06. Review status: criteria provided, single submitter. Criteria: ACMG Guidelines, 2015. Collection method: clinical testing. Allele origin: germline.

Fulgent Genetics
Classification: Uncertain significance for Alstrom syndrome. Last evaluated: 2022-03-08. Review status: criteria provided, single submitter. Criteria: ACMG Guidelines, 2015. Collection method: clinical testing. Allele origin: unknown.

Natera, Inc.
Classification: Uncertain significance for Alstrom syndrome. Last evaluated: 2021-02-17. Review status: no assertion criteria provided. Collection method: clinical testing. Allele origin: germline. Not counted in ClinVar's aggregate classification.

NM_001378454.1(ALMS1):c.5827C>A (p.Arg1943Ser)

Gene: ALMS1 (ALMS1 centrosome and basal body associated protein; plus strand). Cytogenetic location: 2p13.1.
Variant type: single nucleotide variant.
Coding change: c.5827C>A on transcript NM_001378454.1 (MANE Select); coding-DNA position 5827, C replaced by A.
Protein change: p.Arg1943Ser; replaces arginine 1943 with serine.
Molecular consequence: missense variant.
Genome position (GRCh38, 1-based): chr2:73,452,354, C>A. VCF-style: chr2-73452354-C-A. GRCh37 (hg19) VCF-style: chr2-73679481-C-A.
Other names: c.5830C>A, p.Arg1944Ser (NM_015120.4); short protein forms R1944S, R1943S.
Identifiers: ClinVar variation 432728 (VCV000432728.16), dbSNP rs370398704, ClinGen allele CA50397074.